The following is an entry in ClinVar:

NM_000047.3(ARSL):c.1727C>T (p.Pro576Leu)

Gene: ARSL (arylsulfatase L; minus strand). Cytogenetic location: Xp22.33.
Variant type: single nucleotide variant.
Coding change: c.1727C>T on transcript NM_000047.3 (MANE Select); coding-DNA position 1727, C replaced by T.
Protein change: p.Pro576Leu; replaces proline 576 with leucine.
Molecular consequence: missense variant.
Genome position (GRCh38, 1-based): chrX:2,934,875, G>A on the plus strand (C>T on the coding strand, the complement: ARSL is on the minus strand). VCF-style: chrX-2934875-G-A. GRCh37 (hg19) VCF-style: chrX-2852916-G-A.
Other names: c.1802C>T, p.Pro601Leu (NM_001282628.2, NM_001369080.1); c.1565C>T, p.Pro522Leu (NM_001282631.2); c.1754C>T, p.Pro585Leu (NM_001369079.1); short protein forms P522L, P585L, P601L, P576L.
Identifiers: ClinVar variation 3711407 (VCV003711407.2).

ClinVar aggregate classification (germline): Uncertain significance (1 of 4 stars; one submission).

Conditions:
Chondrodysplasia punctata, brachytelephalangic, autosomal. Also called: BRACHYTELEPHALANGIC CHONDRODYSPLASIA PUNCTATA. Identifiers: MedGen C1844853, MONDO:0011238, OMIM 602497.

gnomAD v4.1: 13 of 1,196,620 alleles (0.0011%); highest among the groups gnomAD compares: Admixed American, 0.0044%; no homozygotes.

Submission:

Labcorp Genetics (formerly Invitae), Labcorp
Classification: Uncertain significance for Chondrodysplasia punctata, brachytelephalangic, autosomal. Last evaluated: 2025-11-10. Review status: criteria provided, single submitter. Criteria: Invitae Variant Classification Sherloc (09022015). Collection method: clinical testing. Allele origin: germline.
Comment: This sequence change replaces proline, which is neutral and non-polar, with leucine, which is neutral and non-polar, at codon 576 of the ARSE protein (p.Pro576Leu). The frequency data for this variant in the population databases is considered unreliable, as metrics indicate poor data quality at this position in the gnomAD database. This variant has not been reported in the literature in individuals affected with ARSE-related conditions. ClinVar contains an entry for this variant (Variation ID: 3711407). Invitae Evidence Modeling of protein sequence and biophysical properties (such as structural, functional, and spatial information, amino acid conservation, physicochemical variation, residue mobility, and thermodynamic stability) indicates that this missense variant is not expected to disrupt ARSE protein function with a negative predictive value of 80%. In summary, the available evidence is currently insufficient to determine the role of this variant in disease. Therefore, it has been classified as a Variant of Uncertain Significance.